The following is an entry in ClinVar:

ClinVar aggregate classification (germline): Pathogenic (1 of 4 stars; one submission).

Conditions:
Polycystic kidney disease, adult type (PKD1). Also called: Polycystic Kidney, Autosomal Dominant; POLYCYSTIC KIDNEY DISEASE 1 WITH OR WITHOUT POLYCYSTIC LIVER DISEASE; POLYCYSTIC KIDNEY DISEASE, ADULT, TYPE I; Polycystic Kidney Disease 1, Autosomal Dominant; Polycystic kidney disease 1; Polycystic kidney disease 1, severe. Identifiers: MedGen C3149841, MONDO:0008263, OMIM 173900.

Submission:

Juno Genomics, Hangzhou Juno Genomics, Inc
Classification: Pathogenic for Polycystic kidney disease, adult type. Review status: criteria provided, single submitter. Criteria: ACMG Guidelines, 2015. Collection method: clinical testing. Allele origin: germline. Affected: yes.
Comment: Absent from controls (or at extremely low frequency if recessive) in Genome Aggregation Database, Exome Sequencing Project, 1000 Genomes Project, or Exome Aggregation Consortium.;Null variant in a gene where loss of function (LOF) is a known mechanism of disease.;The prevalence of the variant in affected individuals is significantly increased compared to the prevalence in controls.;Patient's phenotype or family history is highly specific for a disease with a single genetic etiology.

NM_001009944.3(PKD1):c.7703+1G>A

Gene: PKD1 (polycystin 1, transient receptor potential channel interacting; minus strand). Cytogenetic location: 16p13.3.
Variant type: single nucleotide variant.
Coding change: c.7703+1G>A on transcript NM_001009944.3 (MANE Select); the canonical splice donor site of the intron after coding-DNA position 7703, G replaced by A.
Molecular consequence: splice donor variant.
Genome position (GRCh38, 1-based): chr16:2,106,090, C>T on the plus strand (G>A on the coding strand, the complement: PKD1 is on the minus strand). VCF-style: chr16-2106090-C-T. GRCh37 (hg19) VCF-style: chr16-2156091-C-T.
Other names: c.7703+1G>A (NM_000296.4).
Identifiers: ClinVar variation 3335869 (VCV003335869.2).